The following is an entry in ClinVar:

NM_001244008.2(KIF1A):c.2172G>C (p.Lys724Asn)

Gene: KIF1A (kinesin family member 1A; minus strand). Cytogenetic location: 2q37.3.
Variant type: single nucleotide variant.
Coding change: c.2172G>C on transcript NM_001244008.2 (MANE Select); coding-DNA position 2172, G replaced by C.
Protein change: p.Lys724Asn; replaces lysine 724 with asparagine.
Molecular consequence: missense variant.
Genome position (GRCh38, 1-based): chr2:240,761,322, C>G on the plus strand (G>C on the coding strand, the complement: KIF1A is on the minus strand). VCF-style: chr2-240761322-C-G. GRCh37 (hg19) VCF-style: chr2-241700739-C-G.
Other names: c.2172G>C, p.Lys724Asn (NM_001320705.2, NM_001330289.2, NM_001379638.1); c.2247G>C, p.Lys749Asn (NM_001330290.2, NM_001379631.1, NM_001379634.1 and 2 more transcripts); c.2145G>C, p.Lys715Asn (NM_001379632.1, NM_001379633.1, NM_001379636.1 and 10 more transcripts); c.2220G>C, p.Lys740Asn (NM_001379637.1, NM_001379648.1); short protein forms K715N, K724N, K749N, K740N.
Identifiers: ClinVar variation 664129 (VCV000664129.9), dbSNP rs1179435841, ClinGen allele CA351325515.
Genomic context (GRCh38, chr2:240,761,322, plus strand): 5'-CTCCTTGAGGAAGATGGCGTTGCCCCACAGCAGGTCCCGCAGAGACGTGAACTGGTACCA[C>G]TTCCACTTCCGGAAGGCCCAGAGCGCCAGCTCACACTCCCGCTCTGTCCACTGGACTGTG-3'
Protein context (NP_001230937.1, residues 714-734): ELALWAFRKW[Lys724Asn]WYQFTSLRDL

ClinVar aggregate classification (germline): Uncertain significance (1 of 4 stars; one submission).

Conditions:
Hereditary spastic paraplegia 30. Identifiers: Orphanet 101010, MedGen C5235139, MONDO:0012476.
Intellectual disability, autosomal dominant 9 (NESCAVS). Also called: NESCAV SYNDROME; KIF1A-Related Neurodevelopmental Disorder. Identifiers: Orphanet 662367, MedGen C5393830, MONDO:0013656, OMIM 614255.
Neuropathy, hereditary sensory, type 2C. Also called: Hereditary sensory and autonomic neuropathy type IIC; KIF1A-Related HSAN2 (HSAN2C). Identifiers: Orphanet 970, MedGen C3280168, MONDO:0013634, OMIM 614213.

Allele frequency attached by ClinVar (database versions not stated): gnomAD exomes 0.00001.
gnomAD v4.1: 4 of 1,613,722 alleles (0.00025%); highest among the groups gnomAD compares: Non-Finnish European, 0.00034%; no homozygotes.

Submission:

Labcorp Genetics (formerly Invitae), Labcorp
Classification: Uncertain significance for Hereditary spastic paraplegia 30; Neuropathy, hereditary sensory, type 2C; Intellectual disability, autosomal dominant 9. Last evaluated: 2023-08-09. Review status: criteria provided, single submitter. Criteria: Invitae Variant Classification Sherloc (09022015). Collection method: clinical testing. Allele origin: germline.
Comment: This sequence change replaces lysine, which is basic and polar, with asparagine, which is neutral and polar, at codon 715 of the KIF1A protein (p.Lys715Asn). This variant is present in population databases (no rsID available, gnomAD 0.002%). This variant has not been reported in the literature in individuals affected with KIF1A-related conditions. ClinVar contains an entry for this variant (Variation ID: 664129). Advanced modeling of protein sequence and biophysical properties (such as structural, functional, and spatial information, amino acid conservation, physicochemical variation, residue mobility, and thermodynamic stability) has been performed at Invitae for this missense variant, however the output from this modeling did not meet the statistical confidence thresholds required to predict the impact of this variant on KIF1A protein function. In summary, the available evidence is currently insufficient to determine the role of this variant in disease. Therefore, it has been classified as a Variant of Uncertain Significance.